The following is an entry in ClinVar:

NM_001352514.2(HLCS):c.2519G>C (p.Gly840Ala)

Gene: HLCS (holocarboxylase synthetase; minus strand). Cytogenetic location: 21q22.13.
Variant type: single nucleotide variant.
Coding change: c.2519G>C on transcript NM_001352514.2 (MANE Select); coding-DNA position 2519, G replaced by C.
Protein change: p.Gly840Ala; replaces glycine 840 with alanine.
Molecular consequence: missense variant. On other transcripts: non-coding transcript variant (2).
Genome position (GRCh38, 1-based): chr21:36,754,349, C>G on the plus strand (G>C on the coding strand, the complement: HLCS is on the minus strand). VCF-style: chr21-36754349-C-G. GRCh37 (hg19) VCF-style: chr21-38126650-C-G.
Other names: c.2078G>C, p.Gly693Ala (NM_000411.8, NM_001242784.3, NM_001242785.2 and 4 more transcripts); short protein forms G693A, G840A.
Identifiers: ClinVar variation 553248 (VCV000553248.4), dbSNP rs764148793, ClinGen allele CA10020230.

ClinVar aggregate classification (germline): Conflicting classifications of pathogenicity. Review status: criteria provided, conflicting classifications (1 of 4 stars). 3 submissions from 3 submitters: Likely pathogenic (1); Uncertain significance (1). 1 of the submissions does not count toward it. Last evaluated 2024-05-16.

Conditions:
Holocarboxylase synthetase deficiency. Also called: MULTIPLE CARBOXYLASE DEFICIENCY, EARLY ONSET. Identifiers: Orphanet 79242, MedGen C0268581, MONDO:0009666, OMIM 253270.

Allele frequency attached by ClinVar (database versions not stated): TOPMed below 0.00001; gnomAD 0.00001; gnomAD exomes 0.00001; ExAC 0.00003.
gnomAD v4.1: 4 of 1,613,784 alleles (0.00025%); highest among the groups gnomAD compares: Admixed American, 0.0067%; no homozygotes.

Submissions (3):

Fulgent Genetics
Classification: Likely pathogenic for Holocarboxylase synthetase deficiency. Last evaluated: 2024-05-16. Review status: criteria provided, single submitter. Criteria: ACMG Guidelines, 2015. Collection method: clinical testing. Allele origin: germline.

Women's Health and Genetics/Laboratory Corporation of America, LabCorp
Classification: Uncertain significance. Last evaluated: 2021-09-17. Review status: criteria provided, single submitter. Criteria: LabCorp Variant Classification Summary - May 2015. Collection method: clinical testing. Allele origin: germline.
Comment: Variant summary: HLCS c.2078G>C (p.Gly693Ala) results in a non-conservative amino acid change located in the Biotin protein ligase, C-terminal (IPR003142) of the encoded protein sequence. Five of five in-silico tools predict a damaging effect of the variant on protein function. The variant allele was found at a frequency of 8e-06 in 250760 control chromosomes. The available data on variant occurrences in the general population are insufficient to allow any conclusion about variant significance. c.2078G>C has been reported in the literature as a compound heterozygous genotype in at-least one individual affected with Holocarboxylase Synthetase Deficiency (example, Donti_2016) and has been subsequently cited by others (example, Watabe_2018, Zheng_2020). These data do not allow any conclusion about variant significance. To our knowledge, no experimental evidence demonstrating an impact on protein function has been reported. One clinical diagnostic laboratory has submitted clinical-significance assessments for this variant to ClinVar after 2014 without evidence for independent evaluation and classified the variant as uncertain significance citing an overlapping evidence utilized in the context of this evaluation. Based on the evidence outlined above, the variant was classified as uncertain significance.

Counsyl
Classification: Uncertain significance for Holocarboxylase synthetase deficiency. Last evaluated: 2017-08-08. Review status: no assertion criteria provided. Collection method: clinical testing. Allele origin: unknown. Not counted in ClinVar's aggregate classification.

Literature cited by the submitters: PubMed 27114915 (cited by Women's Health and Genetics/Laboratory Corporation of America, LabCorp and Counsyl); PubMed 29701239 (cited by Women's Health and Genetics/Laboratory Corporation of America, LabCorp); PubMed 32727382 (cited by Women's Health and Genetics/Laboratory Corporation of America, LabCorp).